The following is an entry in ClinVar:

NM_177550.5(SLC13A5):c.361C>A (p.Pro121Thr)

Gene: SLC13A5 (solute carrier family 13 member 5; minus strand). Cytogenetic location: 17p13.1.
Variant type: single nucleotide variant.
Coding change: c.361C>A on transcript NM_177550.5 (MANE Select); coding-DNA position 361, C replaced by A.
Protein change: p.Pro121Thr; replaces proline 121 with threonine.
Molecular consequence: missense variant.
Genome position (GRCh38, 1-based): chr17:6,706,649, G>T on the plus strand (C>A on the coding strand, the complement: SLC13A5 is on the minus strand). VCF-style: chr17-6706649-G-T. GRCh37 (hg19) VCF-style: chr17-6609968-G-T.
Other names: c.361C>A, p.Pro121Thr (NM_001143838.3, NM_001284509.2); c.232C>A, p.Pro78Thr (NM_001284510.2); short protein forms P121T, P78T.
Identifiers: ClinVar variation 1004225 (VCV001004225.11), dbSNP rs368701407, ClinGen allele CA8331768.
Genomic context (GRCh38, chr17:6,706,649, plus strand): 5'-CAGCCCTGGGGCTCATGCAGAGCCACGTGGCAAGAGAGAGAAGGCGTAATTACCGTGCAG[G>T]CTTGGCCCCCACCCAGAGGAGCGTGCGCAGGGCGATCCTCTTGTGCAGGTTCCAGCGCTC-3'
Protein context (NP_808218.1, residues 111-131): LRTLLWVGAK[Pro121Thr]ARLMLGFMGV

ClinVar aggregate classification (germline): Uncertain significance (1 of 4 stars; one submission).

Conditions:
Developmental and epileptic encephalopathy, 25 (DEE25). Also called: Developmental and epileptic encephalopathy 25, with amelogenesis imperfecta; Epileptic encephalopathy, early infantile, 25, with amelogenesis imperfecta; Epileptic encephalopathy, early infantile, 25. Identifiers: Orphanet 442835, MedGen C4014621, MONDO:0014392, OMIM 615905.

Allele frequency attached by ClinVar (database versions not stated): gnomAD exomes 0.00001; ExAC 0.00003; ESP Exome Variant Server 0.00008.

Submission:

Labcorp Genetics (formerly Invitae), Labcorp
Classification: Uncertain significance for Developmental and epileptic encephalopathy, 25. Last evaluated: 2022-12-02. Review status: criteria provided, single submitter. Criteria: Invitae Variant Classification Sherloc (09022015). Collection method: clinical testing. Allele origin: germline.
Comment: This variant has not been reported in the literature in individuals affected with SLC13A5-related conditions. This sequence change replaces proline, which is neutral and non-polar, with threonine, which is neutral and polar, at codon 121 of the SLC13A5 protein (p.Pro121Thr). The frequency data for this variant in the population databases is considered unreliable, as metrics indicate poor data quality at this position in the gnomAD database. ClinVar contains an entry for this variant (Variation ID: 1004225). Advanced modeling of protein sequence and biophysical properties (such as structural, functional, and spatial information, amino acid conservation, physicochemical variation, residue mobility, and thermodynamic stability) has been performed at Invitae for this missense variant, however the output from this modeling did not meet the statistical confidence thresholds required to predict the impact of this variant on SLC13A5 protein function. In summary, the available evidence is currently insufficient to determine the role of this variant in disease. Therefore, it has been classified as a Variant of Uncertain Significance.